The following is an entry in ClinVar:

ClinVar aggregate classification (germline): Likely benign. Review status: criteria provided, multiple submitters, no conflicts (2 of 4 stars). 2 submissions from 2 submitters: Likely benign (2). Last evaluated 2025-03-11.

Conditions:
Mitochondrial complex II deficiency, nuclear type 1. Also called: SUCCINATE CoQ REDUCTASE DEFICIENCY. Identifiers: Orphanet 3208, MedGen C5700310, MONDO:0100294, OMIM 252011.
Pheochromocytoma/paraganglioma syndrome 5. Also called: Paragangliomas 5; SDHA-Related Hereditary Paraganglioma-Pheochromocytoma Syndrome. Identifiers: Orphanet 29072, MedGen C3279992, MONDO:0013602, OMIM 614165.

Allele frequency attached by ClinVar (database versions not stated): TOPMed below 0.00001; gnomAD 0.00001.

Submissions (2):

Myriad Genetics, Inc.
Classification: Likely benign for Pheochromocytoma/paraganglioma syndrome 5. Last evaluated: 2025-03-11. Review status: criteria provided, single submitter. Criteria: Myriad Autosomal Dominant, Autosomal Recessive and X-Linked Classification Criteria (2023). Collection method: clinical testing. Allele origin: unknown.
Comment: This variant is considered likely benign. This variant is intronic and is not expected to impact mRNA splicing.

Labcorp Genetics (formerly Invitae), Labcorp
Classification: Likely benign for Pheochromocytoma/paraganglioma syndrome 5; Mitochondrial complex II deficiency, nuclear type 1. Last evaluated: 2024-08-13. Review status: criteria provided, single submitter. Criteria: Invitae Variant Classification Sherloc (09022015). Collection method: clinical testing. Allele origin: germline.

NM_004168.4(SDHA):c.1909-15A>G

Gene: SDHA (succinate dehydrogenase complex flavoprotein subunit A; plus strand). Cytogenetic location: 5p15.33.
Variant type: single nucleotide variant.
Coding change: c.1909-15A>G on transcript NM_004168.4 (MANE Select); 15 bases into the intron before coding-DNA position 1909, A replaced by G.
Molecular consequence: intron variant.
Genome position (GRCh38, 1-based): chr5:256,319, A>G. VCF-style: chr5-256319-A-G. GRCh37 (hg19) VCF-style: chr5-256434-A-G.
Other names: c.1666-15A>G (NM_001330758.2); c.1765-15A>G (NM_001294332.2).
Identifiers: ClinVar variation 2159319 (VCV002159319.5), dbSNP rs1189118840, ClinGen allele CA809175696.